The following is an entry in ClinVar:

NM_198525.3(KIF7):c.3011G>A (p.Arg1004His)

Gene: KIF7 (kinesin family member 7; minus strand). Cytogenetic location: 15q26.1.
Variant type: single nucleotide variant.
Coding change: c.3011G>A on transcript NM_198525.3 (MANE Select); coding-DNA position 3011, G replaced by A.
Protein change: p.Arg1004His; replaces arginine 1004 with histidine.
Molecular consequence: missense variant.
Genome position (GRCh38, 1-based): chr15:89,631,595, C>T on the plus strand (G>A on the coding strand, the complement: KIF7 is on the minus strand). VCF-style: chr15-89631595-C-T. GRCh37 (hg19) VCF-style: chr15-90174826-C-T.
Other names: short protein forms R1004H.
Identifiers: ClinVar variation 1438850 (VCV001438850.3), dbSNP rs776364872, ClinGen allele CA7727860.

ClinVar aggregate classification (germline): Uncertain significance (1 of 4 stars; one submission).

Conditions:
Acrocallosal syndrome (ACLS). Also called: HALLUX DUPLICATION, POSTAXIAL POLYDACTYLY, AND ABSENCE OF CORPUS CALLOSUM; Schinzel syndrome 1; Absence of corpus callosum with unusual facial appearance, mental deficiency, duplication of the halluces and polydactyly. Identifiers: Orphanet 36, MedGen C0796147, MONDO:0008708, OMIM 200990.

Allele frequency attached by ClinVar (database versions not stated): TOPMed below 0.00001; gnomAD exomes 0.00002.
gnomAD v4.1: 5 of 1,562,956 alleles (0.00032%); highest among the groups gnomAD compares: East Asian, 0.0024%; no homozygotes.

Submission:

Labcorp Genetics (formerly Invitae), Labcorp
Classification: Uncertain significance for Acrocallosal syndrome. Last evaluated: 2022-03-18. Review status: criteria provided, single submitter. Criteria: Invitae Variant Classification Sherloc (09022015). Collection method: clinical testing. Allele origin: germline.
Comment: This sequence change replaces arginine, which is basic and polar, with histidine, which is basic and polar, at codon 1004 of the KIF7 protein (p.Arg1004His). This variant is present in population databases (rs776364872, gnomAD 0.008%). This variant has not been reported in the literature in individuals affected with KIF7-related conditions. Algorithms developed to predict the effect of missense changes on protein structure and function are either unavailable or do not agree on the potential impact of this missense change (SIFT: "Deleterious"; PolyPhen-2: "Probably Damaging"; Align-GVGD: "Class C0"). In summary, the available evidence is currently insufficient to determine the role of this variant in disease. Therefore, it has been classified as a Variant of Uncertain Significance.